The following is an entry in ClinVar:

NM_004397.6(DDX6):c.78A>G (p.Lys26=)

Gene: DDX6 (DEAD-box helicase 6; minus strand). Cytogenetic location: 11q23.3.
Variant type: single nucleotide variant.
Coding change: c.78A>G on transcript NM_004397.6 (MANE Select); coding-DNA position 78, A replaced by G.
Protein change: p.Lys26=; no amino-acid change (lysine 26 retained).
Molecular consequence: synonymous variant. On other transcripts: intron variant (1).
Genome position (GRCh38, 1-based): chr11:118,786,174, T>C on the plus strand (A>G on the coding strand, the complement: DDX6 is on the minus strand). VCF-style: chr11-118786174-T-C. GRCh37 (hg19) VCF-style: chr11-118656883-T-C.
Other names: c.78A>G, p.Lys26= (NM_001257191.3, NM_001425145.1, NM_001425146.1 and 7 more transcripts); c.-125+4924A>G (NM_001425154.1).
Identifiers: ClinVar variation 5040940 (VCV005040940.1).

ClinVar aggregate classification (germline): Likely benign (1 of 4 stars; one submission).

gnomAD v4.1: 170 of 1,613,970 alleles (0.011%); highest among the groups gnomAD compares: Admixed American, 0.27%; 1 homozygote.

Submission:

CeGaT Center for Human Genetics Tuebingen
Classification: Likely benign. Last evaluated: 2026-09-01. Review status: criteria provided, single submitter. Criteria: CeGaT Center For Human Genetics Tuebingen Variant Classification Criteria Version 2. Collection method: clinical testing. Allele origin: germline. Affected: yes. Observed: 1 variant allele.
Comment: DDX6: BP4, BP7, BS1